The following is an entry in ClinVar:

ClinVar aggregate classification (germline): Uncertain significance (1 of 4 stars; one submission).

Allele frequency attached by ClinVar (database versions not stated): gnomAD exomes below 0.00001.
gnomAD v4.1: 2 of 1,211,768 alleles (0.00017%); highest among the groups gnomAD compares: Non-Finnish European, 0.00011%; no homozygotes.

Submission:

CeGaT Center for Human Genetics Tuebingen
Classification: Uncertain significance. Last evaluated: 2023-11-01. Review status: criteria provided, single submitter. Criteria: CeGaT Center For Human Genetics Tuebingen Variant Classification Criteria Version 2. Collection method: clinical testing. Allele origin: germline. Affected: yes. Observed: 1 variant allele.
Comment: AMER1: PM2

NM_152424.4(AMER1):c.1994G>A (p.Gly665Asp)

Gene: AMER1 (APC membrane recruitment protein 1; minus strand). Cytogenetic location: Xq11.2.
Variant type: single nucleotide variant.
Coding change: c.1994G>A on transcript NM_152424.4 (MANE Select); coding-DNA position 1994, G replaced by A.
Protein change: p.Gly665Asp; replaces glycine 665 with aspartic acid.
Molecular consequence: missense variant.
Genome position (GRCh38, 1-based): chrX:64,191,293, C>T on the plus strand (G>A on the coding strand, the complement: AMER1 is on the minus strand). VCF-style: chrX-64191293-C-T. GRCh37 (hg19) VCF-style: chrX-63411173-C-T.
Other names: short protein forms G665D.
Identifiers: ClinVar variation 2673237 (VCV002673237.23), dbSNP rs2147086998, ClinGen allele CA413305711.